The following is an entry in ClinVar:

NM_007294.4(BRCA1):c.2295del (p.Ser766fs)

Gene: BRCA1 (BRCA1 DNA repair associated; minus strand). Cytogenetic location: 17q21.31.
Variant type: Deletion.
Coding change: c.2295del on transcript NM_007294.4 (MANE Select); coding-DNA position 2295, one base deleted (G; older notation c.2295delG).
Protein change: p.Ser766fs; shifts the reading frame from serine 766.
Molecular consequence: frameshift variant. On other transcripts: intron variant (137).
Genome position (GRCh38, 1-based): chr17:43,093,236, C deleted on the plus strand (G on the coding strand, the reverse complement: BRCA1 is on the minus strand). VCF-style (leftmost placement, unchanged base first): chr17-43093235-TC-T. GRCh37 (hg19) VCF-style: chr17-41245252-TC-T.
Other names: c.2028del, p.Ser677fs (NM_001407930.1, NM_001407931.1, NM_001407932.1 and 2 more transcripts); c.2031del, p.Ser678fs (NM_001407933.1, NM_001407935.1, NM_001407920.1 and 9 more transcripts); c.2172del, p.Ser725fs (NM_001407937.1, NM_001407938.1, NM_001407939.1 and 19 more transcripts); c.2169del, p.Ser724fs (NM_001407940.1, NM_001407941.1, NM_001407649.1 and 11 more transcripts); c.2154del, p.Ser719fs (NM_001407942.1, NM_001407944.1, NM_001407945.1 and 29 more transcripts); c.2151del, p.Ser718fs (NM_001407943.1, NM_001407964.1, NM_001407740.1 and 20 more transcripts); c.1962del, p.Ser655fs (NM_001407946.1, NM_001407947.1, NM_001407948.1 and 6 more transcripts); c.1959del, p.Ser654fs (NM_001407954.1, NM_001407955.1, NM_001407956.1 and 1 more transcripts); and 41 more; short protein forms S719fs, S766fs, S470fs, S698fs, S724fs, S739fs, S740fs, S598fs.
Identifiers: ClinVar variation 632678 (VCV000632678.14), dbSNP rs1567796243, ClinGen allele CA913190558.

ClinVar aggregate classification (germline): Pathogenic/Likely pathogenic. Review status: criteria provided, multiple submitters, no conflicts (2 of 4 stars). 3 submissions from 3 submitters: Pathogenic (2); Likely pathogenic (1). Last evaluated 2023-10-04.

Conditions:
Hereditary cancer-predisposing syndrome. Also called: Tumor predisposition; Neoplastic Syndromes, Hereditary; Hereditary neoplastic syndrome; Hereditary Cancer Syndrome. Identifiers: Orphanet 140162, MedGen C0027672, MeSH D009386, MONDO:0015356.
Hereditary breast ovarian cancer syndrome. Also called: Hereditary breast and ovarian cancer; Hereditary breast and ovarian cancer syndrome (HBOC); Breast and ovarian cancer; Hereditary breast and ovarian cancer syndrome; BRCA1- and BRCA2-Associated Hereditary Breast and Ovarian Cancer; Hereditary breast and/or ovarian cancer syndrome. Identifiers: Orphanet 145, MedGen C0677776, MeSH D061325, MONDO:0003582. Disease mechanism: loss of function.

Submissions (3):

Labcorp Genetics (formerly Invitae), Labcorp
Classification: Pathogenic for Hereditary breast ovarian cancer syndrome. Last evaluated: 2023-10-04. Review status: criteria provided, single submitter. Criteria: Invitae Variant Classification Sherloc (09022015). Collection method: clinical testing. Allele origin: germline.
Comment: This sequence change creates a premature translational stop signal (p.Ser766Valfs*26) in the BRCA1 gene. It is expected to result in an absent or disrupted protein product. Loss-of-function variants in BRCA1 are known to be pathogenic (PMID: 20104584). This variant is not present in population databases (gnomAD no frequency). This premature translational stop signal has been observed in individual(s) with breast and/or ovarian cancer (PMID: 30555256). ClinVar contains an entry for this variant (Variation ID: 632678). For these reasons, this variant has been classified as Pathogenic.

Ambry Genetics
Classification: Pathogenic for Hereditary cancer-predisposing syndrome. Last evaluated: 2022-03-17. Review status: criteria provided, single submitter. Criteria: Ambry Variant Classification Scheme 2023. Collection method: clinical testing. Allele origin: germline.
Comment: The c.2295delG variant, located in coding exon 9 of the BRCA1 gene, results from a deletion of one nucleotide at nucleotide position 2295, causing a translational frameshift with a predicted alternate stop codon (p.S766Vfs*26). This alteration was identified in a cohort of 206 unrelated breast and/or ovarian cancer cases from North India who met NCCN guidelines for genetic testing (Mehta A et al. Cancer Manag Res, 2018 Nov;10:6505-6516). This variant is considered to be rare based on population cohorts in the Genome Aggregation Database (gnomAD). In addition to the clinical data presented in the literature, this alteration is expected to result in loss of function by premature protein truncation or nonsense-mediated mRNA decay. As such, this alteration is interpreted as a disease-causing mutation.

Women's Health and Genetics/Laboratory Corporation of America, LabCorp
Classification: Likely pathogenic for Hereditary breast and ovarian cancer syndrome. Last evaluated: 2018-02-22. Review status: criteria provided, single submitter. Criteria: LabCorp Variant Classification Summary - May 2015. Collection method: clinical testing. Allele origin: germline.
Comment: Variant summary: BRCA1 c.2295delG (p.Ser766ValfsX26) results in a premature termination codon, predicted to cause a truncation of the encoded protein or absence of the protein due to nonsense mediated decay, which are commonly known mechanisms for disease. Truncations downstream of this position have been classified as pathogenic by our laboratory (eg. c.2299delA (p.Ser767fsX25), c.2338C>T (p.Gln780X), c.2389G>T (p.Glu797X)). The variant was absent in 245858 control chromosomes. To our knowledge, no occurrence of c.2295delG in individuals affected with Hereditary Breast and Ovarian Cancer and no experimental evidence demonstrating its impact on protein function have been reported. No clinical diagnostic laboratories have submitted clinical-significance assessments for this variant to ClinVar after 2014. Based on the evidence outlined above, the variant was classified as likely pathogenic.

Literature cited by the submitters: PubMed 20104584 (cited by Labcorp Genetics (formerly Invitae), Labcorp); PubMed 30555256 (cited by Labcorp Genetics (formerly Invitae), Labcorp and Ambry Genetics); PubMed 27531819 (cited by Women's Health and Genetics/Laboratory Corporation of America, LabCorp).